The following is an entry in ClinVar:

NM_080424.4(SP110):c.2014A>T (p.Lys672Ter)

Gene: SP110 (SP110 nuclear body protein; minus strand). Cytogenetic location: 2q37.1.
Variant type: single nucleotide variant.
Coding change: c.2014A>T on transcript NM_080424.4 (MANE Select); coding-DNA position 2014, A replaced by T.
Protein change: p.Lys672Ter; replaces lysine 672 with a stop codon.
Molecular consequence: nonsense. On other transcripts: intron variant (1).
Genome position (GRCh38, 1-based): chr2:230,170,635, T>A on the plus strand (A>T on the coding strand, the complement: SP110 is on the minus strand). VCF-style: chr2-230170635-T-A. GRCh37 (hg19) VCF-style: chr2-231035351-T-A.
Other names: c.2110A>T, p.Lys704Ter (NM_001378442.1); c.2092A>T, p.Lys698Ter (NM_001378443.1); c.1834-1398A>T (NM_001378446.1); c.2032A>T, p.Lys678Ter (NM_001378444.1); c.1960A>T, p.Lys654Ter (NM_001378445.1); c.1942A>T, p.Lys648Ter (NM_004509.5); short protein forms K672*, K704*, K648*, K678*, K698*, K654*.
Identifiers: ClinVar variation 850563 (VCV000850563.7), dbSNP rs201966308, ClinGen allele CA66729352.
Genomic context (GRCh38, chr2:230,170,635, plus strand): 5'-GGGAAAGTAGAAAAGACGCAAAAAGGAAGCAGGAAATGCTCTTTACCTTGTAAAATGTTT[T>A]ATGGTTGCGAAACATCAGGCGCATGTCTCGCACAAACCATGCCACCGTGTACATTTCCGT-3'

ClinVar aggregate classification (germline): Uncertain significance (1 of 4 stars; one submission).

Conditions:
Hepatic veno-occlusive disease-immunodeficiency syndrome. Also called: Hepatic Veno-Occlusive Disease with Immunodeficiency. Identifiers: Orphanet 79124, MedGen C1856128, MONDO:0009338, OMIM 235550. Disease mechanism: loss of function.

Allele frequency attached by ClinVar (database versions not stated): gnomAD exomes below 0.00001; TOPMed below 0.00001; gnomAD 0.00001.
gnomAD v4.1: 4 of 1,614,066 alleles (0.00025%); highest among the groups gnomAD compares: Non-Finnish European, 0.00034%; no homozygotes.

Submission:

Labcorp Genetics (formerly Invitae), Labcorp
Classification: Uncertain significance for Hepatic veno-occlusive disease-immunodeficiency syndrome. Last evaluated: 2019-11-19. Review status: criteria provided, single submitter. Criteria: Invitae Variant Classification Sherloc (09022015). Collection method: clinical testing. Allele origin: germline.
Comment: This sequence change results in a premature translational stop signal in the SP110 gene (p.Lys648*). While this is not anticipated to result in nonsense mediated decay, it is expected to disrupt the last 42 amino acids of the SP110 protein. This variant is not present in population databases (ExAC no frequency). This variant has not been reported in the literature in individuals with SP110-related conditions. Experimental studies and prediction algorithms are not available or were not evaluated, and the functional significance of this variant is currently unknown. In summary, the available evidence is currently insufficient to determine the role of this variant in disease. Therefore, it has been classified as a Variant of Uncertain Significance.